The following is an entry in ClinVar:

ClinVar aggregate classification (germline): Conflicting classifications of pathogenicity. Review status: criteria provided, conflicting classifications (1 of 4 stars). 4 submissions from 4 submitters: Uncertain significance (3); Likely benign (1). Last evaluated 2026-02-19.

Conditions:
ADGRV1-related disorder. Also called: ADGRV1-related condition; ADGRV1-related disorders.

Allele frequency attached by ClinVar (database versions not stated): ExAC 0.00004; gnomAD 0.00011 and 0.00013; TOPMed 0.00012; 1000 Genomes Project 0.00020; 1000 Genomes Project 30x 0.00031.
gnomAD v4.1: 75 of 1,613,926 alleles (0.0046%); highest among the groups gnomAD compares: African/African-American, 0.021%; no homozygotes.

Submissions (4):

PreventionGenetics, part of Exact Sciences
Classification: Uncertain significance for ADGRV1-related condition. Last evaluated: 2026-02-19. Review status: criteria provided, single submitter. Criteria: ACMG Guidelines, 2015. Collection method: clinical testing. Allele origin: germline.
Comment: The ADGRV1 c.4472C>T variant is predicted to result in the amino acid substitution p.Thr1491Met. To our knowledge, this variant has not been reported in the literature. This variant is reported in 0.029% of alleles in individuals of African descent in gnomAD. At this time, the clinical significance of this variant is uncertain due to the absence of conclusive functional and genetic evidence.

Labcorp Genetics (formerly Invitae), Labcorp
Classification: Likely benign. Last evaluated: 2025-12-25. Review status: criteria provided, single submitter. Criteria: Invitae Variant Classification Sherloc (09022015). Collection method: clinical testing. Allele origin: germline.

GeneDx
Classification: Uncertain significance. Last evaluated: 2024-06-18. Review status: criteria provided, single submitter. Criteria: GeneDx Variant Classification Process June 2021. Collection method: clinical testing. Allele origin: germline. Affected: yes.
Comment: In silico analysis supports that this missense variant has a deleterious effect on protein structure/function; Has not been previously published as pathogenic or benign to our knowledge; This variant is associated with the following publications: (PMID: 20440071)

Blueprint Genetics
Classification: Uncertain significance. Last evaluated: 2023-10-02. Review status: criteria provided, single submitter. Criteria: ACMG Guidelines, 2015. Collection method: clinical testing. Allele origin: germline.

NM_032119.4(ADGRV1):c.4472C>T (p.Thr1491Met)

Gene: ADGRV1 (adhesion G protein-coupled receptor V1; plus strand). Cytogenetic location: 5q14.3.
Variant type: single nucleotide variant.
Coding change: c.4472C>T on transcript NM_032119.4 (MANE Select); coding-DNA position 4472, C replaced by T.
Protein change: p.Thr1491Met; replaces threonine 1491 with methionine.
Molecular consequence: missense variant. On other transcripts: non-coding transcript variant (1).
Genome position (GRCh38, 1-based): chr5:90,657,998, C>T. VCF-style: chr5-90657998-C-T. GRCh37 (hg19) VCF-style: chr5-89953815-C-T.
Other names: short protein forms T1491M.
Identifiers: ClinVar variation 1002123 (VCV001002123.13), dbSNP rs138373307, ClinGen allele CA3339356.